The following is an entry in ClinVar:

ClinVar aggregate classification (germline): Uncertain significance (1 of 4 stars; one submission).

Conditions:
Left ventricular noncompaction 8 (LVNC8). Identifiers: Orphanet 154, Orphanet 54260, MedGen C3809288, MONDO:0014152, OMIM 615373.

Allele frequency attached by ClinVar (database versions not stated): gnomAD exomes below 0.00001.
gnomAD v4.1: 5 of 1,459,594 alleles (0.00034%); highest among the groups gnomAD compares: Non-Finnish European, 0.00045%; no homozygotes.

Submission:

Labcorp Genetics (formerly Invitae), Labcorp
Classification: Uncertain significance for Left ventricular noncompaction 8. Last evaluated: 2023-07-29. Review status: criteria provided, single submitter. Criteria: Invitae Variant Classification Sherloc (09022015). Collection method: clinical testing. Allele origin: germline.
Comment: This sequence change replaces isoleucine, which is neutral and non-polar, with phenylalanine, which is neutral and non-polar, at codon 866 of the PRDM16 protein (p.Ile866Phe). This variant is not present in population databases (gnomAD no frequency). In summary, the available evidence is currently insufficient to determine the role of this variant in disease. Therefore, it has been classified as a Variant of Uncertain Significance. An algorithm developed to predict the effect of missense changes on protein structure and function (PolyPhen-2) suggests that this variant is likely to be disruptive. This variant has not been reported in the literature in individuals affected with PRDM16-related conditions.

NM_022114.4(PRDM16):c.2596A>T (p.Ile866Phe)

Gene: PRDM16 (PR/SET domain 16; plus strand). Cytogenetic location: 1p36.32.
Variant type: single nucleotide variant.
Coding change: c.2596A>T on transcript NM_022114.4 (MANE Select); coding-DNA position 2596, A replaced by T.
Protein change: p.Ile866Phe; replaces isoleucine 866 with phenylalanine.
Molecular consequence: missense variant.
Genome position (GRCh38, 1-based): chr1:3,412,793, A>T. VCF-style: chr1-3412793-A-T. GRCh37 (hg19) VCF-style: chr1-3329357-A-T.
Other names: c.2596A>T, p.Ile866Phe (NM_199454.3); short protein forms I866F.
Identifiers: ClinVar variation 3017330 (VCV003017330.3), dbSNP rs2523888341, ClinGen allele CA338001024.